The following is an entry in ClinVar:

ClinVar aggregate classification (germline): Likely pathogenic (1 of 4 stars; one submission).

Conditions:
Tatton-Brown-Rahman overgrowth syndrome. Also called: Tatton-Brown-Rahman syndrome; Tall stature-intellectual disability-facial dysmorphism syndrome. Identifiers: Orphanet 404443, MedGen C4014545, MONDO:0014382, OMIM 615879.

Submission:

Institute of Human Genetics, FAU Erlangen, Friedrich-Alexander-Universität Erlangen-Nürnberg
Classification: Likely pathogenic for Tatton-Brown-Rahman overgrowth syndrome. Last evaluated: 2025-08-25. Review status: criteria provided, single submitter. Criteria: Hauer et al. (Genet Med. 2018). Collection method: clinical testing. Allele origin: germline. Inheritance: Autosomal dominant inheritance. Affected: yes. Observed: 1 variant allele.
Comment: This variant has been identified by standard clinical testing. Selected ACMG criteria: Likely pathogenic (II):PP3;PM2;PS2

NM_022552.5(DNMT3A):c.1118T>C (p.Leu373Pro)

Gene: DNMT3A (DNA methyltransferase 3 alpha; minus strand). Cytogenetic location: 2p23.3.
Variant type: single nucleotide variant.
Coding change: c.1118T>C on transcript NM_022552.5 (MANE Select); coding-DNA position 1118, T replaced by C.
Protein change: p.Leu373Pro; replaces leucine 373 with proline.
Molecular consequence: missense variant. On other transcripts: non-coding transcript variant (1).
Genome position (GRCh38, 1-based): chr2:25,247,055, A>G on the plus strand (T>C on the coding strand, the complement: DNMT3A is on the minus strand). VCF-style: chr2-25247055-A-G. GRCh37 (hg19) VCF-style: chr2-25469924-A-G.
Other names: c.662T>C, p.Leu221Pro (NM_001320893.1); c.449T>C, p.Leu150Pro (NM_001375819.1); c.551T>C, p.Leu184Pro (NM_153759.3); c.1118T>C, p.Leu373Pro (NM_175629.2); short protein forms L150P, L184P, L221P, L373P.
Identifiers: ClinVar variation 4076104 (VCV004076104.1).
Genomic context (GRCh38, chr2:25,247,055, plus strand): 5'-TCCAGGCCTCCTAGTGCTCTAGGCTCCTCCTCCGAGCTCCCAGCAGGGACACTCACCTGC[A>G]GGACCTCGTAGATGGCTTTGCGGTACATGGGCTGCTTGTTGTACGTGGCCTGGTGGAACG-3'
Protein context (NP_072046.2, residues 363-383): PMYRKAIYEV[Leu373Pro]QVASSRAGKL